The following is an entry in ClinVar:

ClinVar aggregate classification (germline): Uncertain significance (1 of 4 stars; one submission).

Allele frequency attached by ClinVar (database versions not stated): TOPMed 0.00002.

Submission:

Labcorp Genetics (formerly Invitae), Labcorp
Classification: Uncertain significance. Last evaluated: 2022-03-10. Review status: criteria provided, single submitter. Criteria: Invitae Variant Classification Sherloc (09022015). Collection method: clinical testing. Allele origin: germline.
Comment: This sequence change replaces aspartic acid, which is acidic and polar, with tyrosine, which is neutral and polar, at codon 535 of the PCDH15 protein (p.Asp535Tyr). This variant is not present in population databases (gnomAD no frequency). This variant has not been reported in the literature in individuals affected with PCDH15-related conditions. ClinVar contains an entry for this variant (Variation ID: 1024346). Algorithms developed to predict the effect of missense changes on protein structure and function are either unavailable or do not agree on the potential impact of this missense change (SIFT: "Deleterious"; PolyPhen-2: "Probably Damaging"; Align-GVGD: "Class C15"). In summary, the available evidence is currently insufficient to determine the role of this variant in disease. Therefore, it has been classified as a Variant of Uncertain Significance.

NM_001384140.1(PCDH15):c.1603G>T (p.Asp535Tyr)

Gene: PCDH15 (protocadherin related 15; minus strand). Cytogenetic location: 10q21.1.
Variant type: single nucleotide variant.
Coding change: c.1603G>T on transcript NM_001384140.1 (MANE Select); coding-DNA position 1603, G replaced by T.
Protein change: p.Asp535Tyr; replaces aspartic acid 535 with tyrosine.
Molecular consequence: missense variant.
Genome position (GRCh38, 1-based): chr10:54,153,281, C>A on the plus strand (G>T on the coding strand, the complement: PCDH15 is on the minus strand). VCF-style: chr10-54153281-C-A. GRCh37 (hg19) VCF-style: chr10-55913041-C-A.
Other names: c.1618G>T, p.Asp540Tyr (NM_001142763.2, NM_001142771.2); c.1603G>T, p.Asp535Tyr (NM_001142764.2, NM_001142765.2, NM_001142766.2 and 6 more transcripts); c.1492G>T, p.Asp498Tyr (NM_001142767.2); c.1537G>T, p.Asp513Tyr (NM_001142768.2, NM_001142773.2, NM_001354404.2); c.1639G>T, p.Asp547Tyr (NM_001142769.4); c.1624G>T, p.Asp542Tyr (NM_001354411.2); short protein forms D498Y, D513Y, D535Y, D540Y, D542Y, D547Y.
Identifiers: ClinVar variation 1024346 (VCV001024346.6), dbSNP rs946296710, ClinGen allele CA207217438.